The following is an entry in ClinVar:

ClinVar aggregate classification (germline): Uncertain significance (1 of 4 stars; one submission).

Allele frequency attached by ClinVar (database versions not stated): gnomAD exomes below 0.00001.
gnomAD v4.1: 1 of 1,612,552 alleles (0.000062%); highest among the groups gnomAD compares: Non-Finnish European, 0.000085%; no homozygotes.

Submission:

Labcorp Genetics (formerly Invitae), Labcorp
Classification: Uncertain significance. Last evaluated: 2023-03-02. Review status: criteria provided, single submitter. Criteria: Invitae Variant Classification Sherloc (09022015). Collection method: clinical testing. Allele origin: germline.
Comment: In summary, the available evidence is currently insufficient to determine the role of this variant in disease. Therefore, it has been classified as a Variant of Uncertain Significance. Algorithms developed to predict the effect of missense changes on protein structure and function output the following: SIFT: "Not Available"; PolyPhen-2: "Benign"; Align-GVGD: "Not Available". The leucine amino acid residue is found in multiple mammalian species, which suggests that this missense change does not adversely affect protein function. This variant has not been reported in the literature in individuals affected with PDE2A-related conditions. This variant is not present in population databases (gnomAD no frequency). This sequence change replaces serine, which is neutral and polar, with leucine, which is neutral and non-polar, at codon 125 of the PDE2A protein (p.Ser125Leu).

NM_002599.5(PDE2A):c.374C>T (p.Ser125Leu)

Gene: PDE2A (phosphodiesterase 2A; minus strand). Cytogenetic location: 11q13.4.
Variant type: single nucleotide variant.
Coding change: c.374C>T on transcript NM_002599.5 (MANE Select); coding-DNA position 374, C replaced by T.
Protein change: p.Ser125Leu; replaces serine 125 with leucine.
Molecular consequence: missense variant.
Genome position (GRCh38, 1-based): chr11:72,597,569, G>A on the plus strand (C>T on the coding strand, the complement: PDE2A is on the minus strand). VCF-style: chr11-72597569-G-A. GRCh37 (hg19) VCF-style: chr11-72308613-G-A.
Other names: c.353C>T, p.Ser118Leu (NM_001143839.4); c.347C>T, p.Ser116Leu (NM_001146209.3); c.311C>T, p.Ser104Leu (NM_001243784.2); short protein forms S104L, S118L, S116L, S125L.
Identifiers: ClinVar variation 2716309 (VCV002716309.3), dbSNP rs1856544991, ClinGen allele CA381769363.